The following is an entry in ClinVar:

ClinVar aggregate classification (germline): Uncertain significance. Review status: criteria provided, multiple submitters, no conflicts (2 of 4 stars). 3 submissions from 3 submitters: Uncertain significance (2). 1 of the submissions does not count toward it. Last evaluated 2022-10-28.

Conditions:
ALG12-congenital disorder of glycosylation (CDG1G). Also called: CDG Ig; ALG12-CDG; Congenital disorder of glycosylation, type Ig. Identifiers: Orphanet 79324, MedGen C2931001, MONDO:0011783, OMIM 607143.
ALG12-related disorder. Also called: ALG12-related condition.

Allele frequency attached by ClinVar (database versions not stated): gnomAD exomes 0.00008 and 0.00010; ExAC 0.00016; 1000 Genomes Project 30x 0.00031; ESP Exome Variant Server 0.00038; TOPMed 0.00053; gnomAD 0.00054 and 0.00058.
gnomAD v4.1: 193 of 1,613,226 alleles (0.012%); highest among the groups gnomAD compares: African/African-American, 0.19%; no homozygotes.

Submissions (3):

Labcorp Genetics (formerly Invitae), Labcorp
Classification: Uncertain significance for ALG12-congenital disorder of glycosylation. Last evaluated: 2022-10-28. Review status: criteria provided, single submitter. Criteria: Invitae Variant Classification Sherloc (09022015). Collection method: clinical testing. Allele origin: germline.
Comment: This sequence change falls in intron 4 of the ALG12 gene. It does not directly change the encoded amino acid sequence of the ALG12 protein. It affects a nucleotide within the consensus splice site. This variant is present in population databases (rs375025860, gnomAD 0.2%). This variant has not been reported in the literature in individuals affected with ALG12-related conditions. ClinVar contains an entry for this variant (Variation ID: 1404856). Variants that disrupt the consensus splice site are a relatively common cause of aberrant splicing (PMID: 17576681, 9536098). Algorithms developed to predict the effect of sequence changes on RNA splicing suggest that this variant may create or strengthen a splice site. In summary, the available evidence is currently insufficient to determine the role of this variant in disease. Therefore, it has been classified as a Variant of Uncertain Significance.

Fulgent Genetics
Classification: Uncertain significance for ALG12-congenital disorder of glycosylation. Last evaluated: 2022-01-10. Review status: criteria provided, single submitter. Criteria: ACMG Guidelines, 2015. Collection method: clinical testing. Allele origin: unknown.

PreventionGenetics, part of Exact Sciences
Classification: Likely benign for ALG12-related condition. Last evaluated: 2022-10-12. Review status: no assertion criteria provided. Collection method: clinical testing. Allele origin: germline. Not counted in ClinVar's aggregate classification.
Comment: This variant is classified as likely benign based on ACMG/AMP sequence variant interpretation guidelines (Richards et al. 2015 PMID: 25741868, with internal and published modifications).

Literature cited by the submitters: PubMed 17576681 (cited by Labcorp Genetics (formerly Invitae), Labcorp); PubMed 9536098 (cited by Labcorp Genetics (formerly Invitae), Labcorp).

NM_024105.4(ALG12):c.469+5G>A

Gene: ALG12 (ALG12 alpha-1,6-mannosyltransferase; minus strand). Cytogenetic location: 22q13.33.
Variant type: single nucleotide variant.
Coding change: c.469+5G>A on transcript NM_024105.4 (MANE Select); 5 bases into the intron after coding-DNA position 469, G replaced by A.
Molecular consequence: intron variant.
Genome position (GRCh38, 1-based): chr22:49,910,429, C>T on the plus strand (G>A on the coding strand, the complement: ALG12 is on the minus strand). VCF-style: chr22-49910429-C-T. GRCh37 (hg19) VCF-style: chr22-50304077-C-T.
Other names: c.469+5G>A (NM_024105.3).
Identifiers: ClinVar variation 1404856 (VCV001404856.6), dbSNP rs375025860, ClinGen allele CA10300615.
Genomic context (GRCh38, chr22:49,910,429, plus strand): 5'-AGCCCGACTCAGGGGAGCCCCTGCCCGGCACCATGGGTGTGCAGGCCCGGCCGGCAGCTA[C>T]GTACCTACAGGCAGGGCCAGCACATTGGGCAGTGTCCGCGTGCAGTAGAACATCAGGTGG-3'